The following is an entry in ClinVar:

NM_006852.6(TLK2):c.736A>T (p.Arg246Ter)

Gene: TLK2 (tousled like kinase 2; plus strand). Cytogenetic location: 17q23.2.
Variant type: single nucleotide variant.
Coding change: c.736A>T on transcript NM_006852.6 (MANE Select); coding-DNA position 736, A replaced by T.
Protein change: p.Arg246Ter; replaces arginine 246 with a stop codon.
Molecular consequence: nonsense.
Genome position (GRCh38, 1-based): chr17:62,560,031, A>T. VCF-style: chr17-62560031-A-T. GRCh37 (hg19) VCF-style: chr17-60637392-A-T.
Other names: c.736A>T, p.Arg246Ter (NM_001284333.3, NM_001375270.1, NM_001375271.1); c.640A>T, p.Arg214Ter (NM_001284363.1, NM_001375272.1, NM_001438203.1 and 1 more transcripts); c.289A>T, p.Arg97Ter (NM_001330418.3, NM_001375273.1); c.778A>T, p.Arg260Ter (NM_001375269.1); c.451A>T, p.Arg151Ter (NM_001411074.1); c.547A>T, p.Arg183Ter (NM_001438205.1); short protein forms R151*, R183*, R214*, R246*, R260*, R97*.
Identifiers: ClinVar variation 4813044 (VCV004813044.1).
Genomic context (GRCh38, chr17:62,560,031, plus strand): 5'-AATCTTCTTCCTTGGAGCTAATTAAAAATTTTTTTCTCATTGAAGGCCAACTGTGATTTG[A>T]GACGGCAGATTGATGAACAGCAAAAGATGCTAGAGAAATACAAGGAACGATTAAATAGAT-3'

ClinVar aggregate classification (germline): Pathogenic (1 of 4 stars; one submission).

Conditions:
Intellectual developmental disorder, autosomal dominant 57. Also called: MENTAL RETARDATION, AUTOSOMAL DOMINANT 57; Intellectual disability, autosomal dominant 57. Identifiers: MedGen C4748003, MONDO:0054837, OMIM 618050.

Submission:

Variantyx, Inc.
Classification: Pathogenic for Intellectual developmental disorder, autosomal dominant 57. Last evaluated: 2025-03-25. Review status: criteria provided, single submitter. Criteria: Variantyx Assertion Criteria 2022. Collection method: clinical testing. Allele origin: de novo. Inheritance: Autosomal dominant inheritance.
Comment: This is a nonsense variant in the TLK2 gene (OMIM: 608439). Pathogenic variants in this gene have been associated with autosomal dominant intellectual developmental disorder 57. This variant introduces a premature termination codon in exon 10 out of 22. It is expected to result in loss of function, which is a known disease mechanism for TLK2 in this disorder (PMID: 29861108) (PVS1). This variant is absent from control populations (PM2). This variant has not been reported in individuals with TLK2-related disorders in the databases available for review. Based on the current evidence, this variant is classified as pathogenic for autosomal dominant intellectual developmental disorder 57.

Literature cited by the submitters: PubMed 29861108.